The following is an entry in ClinVar:

NM_001036.6(RYR3):c.5982G>A (p.Gly1994=)

Gene: RYR3 (ryanodine receptor 3; plus strand). Cytogenetic location: 15q14.
Variant type: single nucleotide variant.
Coding change: c.5982G>A on transcript NM_001036.6 (MANE Select); coding-DNA position 5982, G replaced by A.
Protein change: p.Gly1994=; no amino-acid change (glycine 1994 retained).
Molecular consequence: synonymous variant.
Genome position (GRCh38, 1-based): chr15:33,696,339, G>A. VCF-style: chr15-33696339-G-A. GRCh37 (hg19) VCF-style: chr15-33988540-G-A.
Other names: c.5982G>A, p.Gly1994= (NM_001243996.4).
Identifiers: ClinVar variation 461933 (VCV000461933.13), dbSNP rs202185923, ClinGen allele CA7459414.

ClinVar aggregate classification (germline): Likely benign. Review status: criteria provided, single submitter (1 of 4 stars). 2 submissions from 2 submitters: Likely benign (1). 1 of the submissions does not count toward it. Last evaluated 2022-03-23.

Conditions:
RYR3-related disorder. Also called: RYR3-related condition.
Epileptic encephalopathy. Identifiers: MedGen C0543888, HP:0200134.

Allele frequency attached by ClinVar (database versions not stated): gnomAD exomes 0.00022 and 0.00016; TOPMed 0.00022; gnomAD 0.00017 and 0.00018; ExAC 0.00021; ESP Exome Variant Server 0.00023.
gnomAD v4.1: 348 of 1,613,336 alleles (0.022%); highest among the groups gnomAD compares: Non-Finnish European, 0.028%; no homozygotes.

Submissions (2):

Labcorp Genetics (formerly Invitae), Labcorp
Classification: Likely benign for Epileptic encephalopathy. Last evaluated: 2022-03-23. Review status: criteria provided, single submitter. Criteria: Invitae Variant Classification Sherloc (09022015). Collection method: clinical testing. Allele origin: germline.

PreventionGenetics, part of Exact Sciences
Classification: Likely benign for RYR3-related condition. Last evaluated: 2019-08-14. Review status: no assertion criteria provided. Collection method: clinical testing. Allele origin: germline. Not counted in ClinVar's aggregate classification.
Comment: This variant is classified as likely benign based on ACMG/AMP sequence variant interpretation guidelines (Richards et al. 2015 PMID: 25741868, with internal and published modifications).